The following is an entry in ClinVar:

NM_017612.5(ZCCHC8):c.541G>C (p.Asp181His)

Gene: ZCCHC8 (zinc finger CCHC-type containing 8; minus strand). Cytogenetic location: 12q24.31.
Variant type: single nucleotide variant.
Coding change: c.541G>C on transcript NM_017612.5 (MANE Select); coding-DNA position 541, G replaced by C.
Protein change: p.Asp181His; replaces aspartic acid 181 with histidine.
Molecular consequence: missense variant. On other transcripts: intron variant (3).
Genome position (GRCh38, 1-based): chr12:122,483,524, C>G on the plus strand (G>C on the coding strand, the complement: ZCCHC8 is on the minus strand). VCF-style: chr12-122483524-C-G. GRCh37 (hg19) VCF-style: chr12-122968071-C-G.
Other names: c.244G>C, p.Asp82His (NM_001350936.2); c.-43-829G>C (NM_001350938.2, NM_001350937.2); c.502-1437G>C (NM_001350935.2); short protein forms D181H, D82H.
Identifiers: ClinVar variation 2106424 (VCV002106424.5), dbSNP rs2137340112, ClinGen allele CA482208692.

ClinVar aggregate classification (germline): Uncertain significance. Review status: criteria provided, multiple submitters, no conflicts (2 of 4 stars). 2 submissions from 2 submitters: Uncertain significance (2). Last evaluated 2024-03-07.

Submissions (2):

Blueprint Genetics
Classification: Uncertain significance. Last evaluated: 2024-03-07. Review status: criteria provided, single submitter. Criteria: ACMG Guidelines, 2015. Collection method: clinical testing. Allele origin: germline.

Labcorp Genetics (formerly Invitae), Labcorp
Classification: Uncertain significance. Last evaluated: 2022-05-28. Review status: criteria provided, single submitter. Criteria: Invitae Variant Classification Sherloc (09022015). Collection method: clinical testing. Allele origin: germline.
Comment: In summary, the available evidence is currently insufficient to determine the role of this variant in disease. Therefore, it has been classified as a Variant of Uncertain Significance. Algorithms developed to predict the effect of missense changes on protein structure and function are either unavailable or do not agree on the potential impact of this missense change (SIFT: "Deleterious"; PolyPhen-2: "Not Available"; Align-GVGD: "Class C0"). This variant has not been reported in the literature in individuals affected with ZCCHC8-related conditions. This variant is not present in population databases (gnomAD no frequency). This sequence change replaces aspartic acid, which is acidic and polar, with histidine, which is basic and polar, at codon 181 of the ZCCHC8 protein (p.Asp181His).